The following is an entry in ClinVar:

NM_000507.4(FBP1):c.971A>G (p.Asp324Gly)

Gene: FBP1 (fructose-bisphosphatase 1; minus strand). Cytogenetic location: 9q22.32.
Variant type: single nucleotide variant.
Coding change: c.971A>G on transcript NM_000507.4 (MANE Select); coding-DNA position 971, A replaced by G.
Protein change: p.Asp324Gly; replaces aspartic acid 324 with glycine.
Molecular consequence: missense variant.
Genome position (GRCh38, 1-based): chr9:94,603,427, T>C on the plus strand (A>G on the coding strand, the complement: FBP1 is on the minus strand). VCF-style: chr9-94603427-T-C. GRCh37 (hg19) VCF-style: chr9-97365709-T-C.
Other names: c.971A>G, p.Asp324Gly (NM_001127628.2); short protein forms D324G.
Identifiers: ClinVar variation 859120 (VCV000859120.9), dbSNP rs1827640590, ClinGen allele CA374105660.

ClinVar aggregate classification (germline): Uncertain significance (1 of 4 stars; one submission).

Conditions:
Fructose-biphosphatase deficiency (FBP1D). Also called: Fructose 1,6 Bisphosphatase Deficiency; Fructose-1,6-Bisphosphatase 1 Deficiency; Fructose-1,6-Diphosphatase Deficiency. Identifiers: Orphanet 348, MedGen C0016756, MONDO:0009251, OMIM 229700.

Submission:

Labcorp Genetics (formerly Invitae), Labcorp
Classification: Uncertain significance for Fructose-biphosphatase deficiency. Last evaluated: 2019-12-27. Review status: criteria provided, single submitter. Criteria: Invitae Variant Classification Sherloc (09022015). Collection method: clinical testing. Allele origin: germline.
Comment: In summary, the available evidence is currently insufficient to determine the role of this variant in disease. Therefore, it has been classified as a Variant of Uncertain Significance. Algorithms developed to predict the effect of missense changes on protein structure and function are either unavailable or do not agree on the potential impact of this missense change (SIFT: "Deleterious"; PolyPhen-2: "Probably Damaging"; Align-GVGD: "Class C0"). This variant has not been reported in the literature in individuals with FBP1-related conditions. This variant is not present in population databases (ExAC no frequency). This sequence change replaces aspartic acid with glycine at codon 324 of the FBP1 protein (p.Asp324Gly). The aspartic acid residue is moderately conserved and there is a moderate physicochemical difference between aspartic acid and glycine.